The following is an entry in ClinVar:

ClinVar aggregate classification (germline): Uncertain significance (1 of 4 stars; one submission).

gnomAD v4.1: 9 of 1,613,302 alleles (0.00056%); highest among the groups gnomAD compares: African/African-American, 0.0013%; no homozygotes.

Submission:

GeneDx
Classification: Uncertain significance. Last evaluated: 2025-02-05. Review status: criteria provided, single submitter. Criteria: GeneDx Variant Classification Process June 2021. Collection method: clinical testing. Allele origin: germline. Affected: yes.
Comment: Not observed at significant frequency in large population cohorts (gnomAD); In silico analysis supports that this missense variant has a deleterious effect on protein structure/function; Has not been previously published as pathogenic or benign to our knowledge

NM_015378.4(VPS13D):c.12368C>T (p.Thr4123Met)

Gene: VPS13D (vacuolar protein sorting 13 homolog D; plus strand). Cytogenetic location: 1p36.22.
Variant type: single nucleotide variant.
Coding change: c.12368C>T on transcript NM_015378.4 (MANE Select); coding-DNA position 12368, C replaced by T.
Protein change: p.Thr4123Met; replaces threonine 4123 with methionine.
Molecular consequence: missense variant.
Genome position (GRCh38, 1-based): chr1:12,456,032, C>T. VCF-style: chr1-12456032-C-T. GRCh37 (hg19) VCF-style: chr1-12516088-C-T.
Other names: c.12293C>T, p.Thr4098Met (NM_018156.4); short protein forms T4098M, T4123M.
Identifiers: ClinVar variation 4074399 (VCV004074399.1).
Genomic context (GRCh38, chr1:12,456,032, plus strand): 5'-CTTCTCCTGCTTTTAACTCCTTCTAGTTTGCTGGAACATTATCAGATGGCTTAGGGAAGA[C>T]GATGGACAATCGGCATCAGTCAGAGCGGGAGTACATCAGGTACCATGCAGCCACAAGTGG-3'
Protein context (NP_056193.2, residues 4113-4133): AGTLSDGLGK[Thr4123Met]MDNRHQSERE